The following is an entry in ClinVar:

ClinVar aggregate classification (germline): Uncertain significance (1 of 4 stars; one submission).

Conditions:
Familial cold autoinflammatory syndrome 3 (FCAS3). Also called: FAMILIAL ATYPICAL COLD URTICARIA; ANTIBODY DEFICIENCY AND IMMUNE DYSREGULATION, PLCG2-ASSOCIATED. Identifiers: Orphanet 300359, MedGen C3280914, MONDO:0013766, OMIM 614468.

gnomAD v4.1: 1 of 1,614,176 alleles (0.000062%); highest among the groups gnomAD compares: Non-Finnish European, 0.000085%; no homozygotes.

Submission:

Labcorp Genetics (formerly Invitae), Labcorp
Classification: Uncertain significance for Familial cold autoinflammatory syndrome 3. Last evaluated: 2024-06-12. Review status: criteria provided, single submitter. Criteria: Invitae Variant Classification Sherloc (09022015). Collection method: clinical testing. Allele origin: germline.
Comment: This sequence change replaces glutamic acid, which is acidic and polar, with lysine, which is basic and polar, at codon 1209 of the PLCG2 protein (p.Glu1209Lys). This variant is present in population databases (rs757822132, gnomAD 0.0009%). This variant has not been reported in the literature in individuals affected with PLCG2-related conditions. An algorithm developed to predict the effect of missense changes on protein structure and function (PolyPhen-2) suggests that this variant is likely to be disruptive. In summary, the available evidence is currently insufficient to determine the role of this variant in disease. Therefore, it has been classified as a Variant of Uncertain Significance.

NM_002661.5(PLCG2):c.3625G>A (p.Glu1209Lys)

Gene: PLCG2 (phospholipase C gamma 2; plus strand). Cytogenetic location: 16q23.3.
Variant type: single nucleotide variant.
Coding change: c.3625G>A on transcript NM_002661.5 (MANE Select); coding-DNA position 3625, G replaced by A.
Protein change: p.Glu1209Lys; replaces glutamic acid 1209 with lysine.
Molecular consequence: missense variant.
Genome position (GRCh38, 1-based): chr16:81,956,749, G>A. VCF-style: chr16-81956749-G-A. GRCh37 (hg19) VCF-style: chr16-81990354-G-A.
Other names: c.3625G>A, p.Glu1209Lys (NM_001425749.1, NM_001425750.1, NM_001425751.1); short protein forms E1209K.
Identifiers: ClinVar variation 3654974 (VCV003654974.2).